The following is an entry in ClinVar:

ClinVar aggregate classification (germline): Uncertain significance. Review status: criteria provided, multiple submitters, no conflicts (2 of 4 stars). 2 submissions from 2 submitters: Uncertain significance (2). Last evaluated 2025-08-17.

Conditions:
Spastic paraplegia. Identifiers: MedGen C0037772, HP:0001258.
Hereditary spastic paraplegia 10 (SPG10). Also called: SPASTIC PARAPLEGIA 10, AUTOSOMAL DOMINANT; SPASTIC PARAPLEGIA 10 WITH OR WITHOUT PERIPHERAL NEUROPATHY; SPASTIC PARAPLEGIA 10 WITH PERIPHERAL NEUROPATHY. Identifiers: Orphanet 100991, MedGen C1858712, MONDO:0011408, OMIM 604187.

Allele frequency attached by ClinVar (database versions not stated): gnomAD 0.00001; gnomAD exomes 0.00001 and 0.00002; ExAC 0.00002; TOPMed 0.00003.
gnomAD v4.1: 12 of 1,613,328 alleles (0.00074%); highest among the groups gnomAD compares: Middle Eastern, 0.034%; no homozygotes.

Submissions (2):

Labcorp Genetics (formerly Invitae), Labcorp
Classification: Uncertain significance for Spastic paraplegia. Last evaluated: 2025-08-17. Review status: criteria provided, single submitter. Criteria: Invitae Variant Classification Sherloc (09022015). Collection method: clinical testing. Allele origin: germline.
Comment: This sequence change falls in intron 11 of the KIF5A gene. It does not directly change the encoded amino acid sequence of the KIF5A protein. It affects a nucleotide within the consensus splice site. This variant is present in population databases (rs781028681, gnomAD 0.005%). This variant has not been reported in the literature in individuals affected with KIF5A-related conditions. ClinVar contains an entry for this variant (Variation ID: 1333930). Variants that disrupt the consensus splice site are a relatively common cause of aberrant splicing (PMID: 17576681, 9536098). Algorithms developed to predict the effect of sequence changes on RNA splicing suggest that this variant may disrupt the consensus splice site. In summary, the available evidence is currently insufficient to determine the role of this variant in disease. Therefore, it has been classified as a Variant of Uncertain Significance.

CENTOGENE GmbH and LLC - Guiding Precision Medicine
Classification: Uncertain significance for Hereditary spastic paraplegia 10. Last evaluated: 2020-12-14. Review status: criteria provided, single submitter. Criteria: ACMG Guidelines, 2015. Collection method: clinical testing. Allele origin: germline. Affected: yes.

Literature cited by the submitters: PubMed 17576681 (cited by Labcorp Genetics (formerly Invitae), Labcorp); PubMed 9536098 (cited by Labcorp Genetics (formerly Invitae), Labcorp).

NM_004984.4(KIF5A):c.1117+4A>G

Gene: KIF5A (kinesin family member 5A; plus strand). Cytogenetic location: 12q13.3.
Variant type: single nucleotide variant.
Coding change: c.1117+4A>G on transcript NM_004984.4 (MANE Select); 4 bases into the intron after coding-DNA position 1117, A replaced by G.
Molecular consequence: intron variant.
Genome position (GRCh38, 1-based): chr12:57,569,687, A>G. VCF-style: chr12-57569687-A-G. GRCh37 (hg19) VCF-style: chr12-57963470-A-G.
Other names: c.850+4A>G (NM_001354705.2).
Identifiers: ClinVar variation 1333930 (VCV001333930.7), dbSNP rs781028681, ClinGen allele CA6652752.